The following is an entry in ClinVar:

NM_018245.3(OGDHL):c.1358G>A (p.Arg453Gln)

Gene: OGDHL (oxoglutarate dehydrogenase L; minus strand). Cytogenetic location: 10q11.23.
Variant type: single nucleotide variant.
Coding change: c.1358G>A on transcript NM_018245.3 (MANE Select); coding-DNA position 1358, G replaced by A.
Protein change: p.Arg453Gln; replaces arginine 453 with glutamine.
Molecular consequence: missense variant. On other transcripts: non-coding transcript variant (5), intron variant (4).
Genome position (GRCh38, 1-based): chr10:49,745,916, C>T on the plus strand (G>A on the coding strand, the complement: OGDHL is on the minus strand). VCF-style: chr10-49745916-C-T. GRCh37 (hg19) VCF-style: chr10-50953962-C-T.
Other names: c.1187G>A, p.Arg396Gln (NM_001143996.2, NM_001347820.1); c.731G>A, p.Arg244Gln (NM_001143997.2, NM_001347821.2, NM_001347822.1); c.1358G>A, p.Arg453Gln (NM_001347819.1); c.280-420G>A (NM_001347826.1); c.1297-420G>A (NM_001347823.1, NM_001347824.2); c.670-420G>A (NM_001347825.2); short protein forms R244Q, R396Q, R453Q.
Identifiers: ClinVar variation 3342542 (VCV003342542.1).

ClinVar aggregate classification (germline): Uncertain significance (1 of 4 stars; one submission).

gnomAD v4.1: 13 of 1,614,106 alleles (0.00081%); highest among the groups gnomAD compares: Admixed American, 0.0017%; no homozygotes.

Submission:

GeneDx
Classification: Uncertain significance. Last evaluated: 2022-06-14. Review status: criteria provided, single submitter. Criteria: GeneDx Variant Classification Process June 2021. Collection method: clinical testing. Allele origin: germline. Affected: yes.
Comment: In silico analysis supports that this missense variant has a deleterious effect on protein structure/function; Has not been previously published as pathogenic or benign to our knowledge; Variants in candidate genes are classified as variants of uncertain significance in accordance with ACMG guidelines (Richards et al., 2015)